The following is an entry in ClinVar:

NM_000814.6(GABRB3):c.553A>G (p.Thr185Ala)

Gene: GABRB3 (gamma-aminobutyric acid type A receptor subunit beta3; minus strand). Cytogenetic location: 15q12.
Variant type: single nucleotide variant.
Coding change: c.553A>G on transcript NM_000814.6 (MANE Select); coding-DNA position 553, A replaced by G.
Protein change: p.Thr185Ala; replaces threonine 185 with alanine.
Molecular consequence: missense variant.
Genome position (GRCh38, 1-based): chr15:26,580,448, T>C on the plus strand (A>G on the coding strand, the complement: GABRB3 is on the minus strand). VCF-style: chr15-26580448-T-C. GRCh37 (hg19) VCF-style: chr15-26825595-T-C.
Other names: c.298A>G, p.Thr100Ala (NM_001191320.2, NM_001278631.2); c.340A>G, p.Thr114Ala (NM_001191321.3); c.553A>G, p.Thr185Ala (NM_021912.5); short protein forms T100A, T114A, T185A.
Identifiers: ClinVar variation 3770196 (VCV003770196.1).

ClinVar aggregate classification (germline): Likely pathogenic (1 of 4 stars; one submission).

Conditions:
Developmental and epileptic encephalopathy, 43 (DEE43). Also called: Epileptic encephalopathy, early infantile, 43. Identifiers: MedGen C4310712, MONDO:0014921, OMIM 617113.

Submission:

Department of Neurology, Zibo Changguo Hospital
Classification: Likely pathogenic for Developmental and epileptic encephalopathy, 43. Last evaluated: 2025-01-08. Review status: criteria provided, single submitter. Criteria: ACMG Guidelines, 2015. Collection method: clinical testing. Allele origin: paternal. Inheritance: Autosomal dominant inheritance. Affected: yes.
Comment: PM5, PP3_Moderate, PM2_Supporting, PP2